The following is an entry in ClinVar:

ClinVar aggregate classification (germline): Conflicting classifications of pathogenicity. Review status: criteria provided, conflicting classifications (1 of 4 stars). 2 submissions from 2 submitters: Uncertain significance (1); Likely benign (1). Last evaluated 2025-07-30.

Conditions:
Rhabdoid tumor predisposition syndrome 2 (RTPS2). Identifiers: Orphanet 231108, Orphanet 69077, MedGen C2750074, MONDO:0013224, OMIM 613325.
Hereditary cancer-predisposing syndrome. Also called: Neoplastic Syndromes, Hereditary; Tumor predisposition; Hereditary Cancer Syndrome; Hereditary neoplastic syndrome. Identifiers: Orphanet 140162, MedGen C0027672, MeSH D009386, MONDO:0015356.

Allele frequency attached by ClinVar (database versions not stated): gnomAD exomes below 0.00001.
gnomAD v4.1: 1 of 1,602,352 alleles (0.000062%); highest among the groups gnomAD compares: Non-Finnish European, 0.000085%; no homozygotes.

Submissions (2):

Labcorp Genetics (formerly Invitae), Labcorp
Classification: Uncertain significance for Rhabdoid tumor predisposition syndrome 2. Last evaluated: 2025-07-30. Review status: criteria provided, single submitter. Criteria: Invitae Variant Classification Sherloc (09022015). Collection method: clinical testing. Allele origin: germline.
Comment: This sequence change replaces glutamine, which is neutral and polar, with arginine, which is basic and polar, at codon 1415 of the SMARCA4 protein (p.Gln1415Arg). This variant is not present in population databases (gnomAD no frequency). This variant has not been reported in the literature in individuals affected with SMARCA4-related conditions. ClinVar contains an entry for this variant (Variation ID: 484936). An algorithm developed to predict the effect of missense changes on protein structure and function (PolyPhen-2) suggests that this variant is likely to be tolerated. In summary, the available evidence is currently insufficient to determine the role of this variant in disease. Therefore, it has been classified as a Variant of Uncertain Significance.

Ambry Genetics
Classification: Likely benign for Hereditary cancer-predisposing syndrome. Last evaluated: 2025-03-06. Review status: criteria provided, single submitter. Criteria: Ambry Variant Classification Scheme 2023. Collection method: clinical testing. Allele origin: germline.

NM_001387283.1(SMARCA4):c.4244A>G (p.Gln1415Arg)

Gene: SMARCA4 (SWI/SNF related BAF chromatin remodeling complex subunit ATPase 4; plus strand). Cytogenetic location: 19p13.2.
Variant type: single nucleotide variant.
Coding change: c.4244A>G on transcript NM_001387283.1 (MANE Plus Clinical); coding-DNA position 4244, A replaced by G.
Protein change: p.Gln1415Arg; replaces glutamine 1415 with arginine.
Molecular consequence: missense variant. On other transcripts: intron variant (7).
Genome position (GRCh38, 1-based): chr19:11,039,531, A>G. VCF-style: chr19-11039531-A-G. GRCh37 (hg19) VCF-style: chr19-11150207-A-G.
Other names: c.4244A>G, p.Gln1415Arg (NM_001128849.3); c.4171-1776A>G (NM_001128844.3, NM_003072.5); c.4072-1776A>G (NM_001128847.4, NM_001374457.1, NM_001128848.2); c.4072-1767A>G (NM_001128845.2, NM_001128846.2); short protein forms Q1415R.
Identifiers: ClinVar variation 484936 (VCV000484936.17), dbSNP rs1427210237, ClinGen allele CA404071725.